The following is an entry in ClinVar:

NM_001040142.2(SCN2A):c.4972C>T (p.Pro1658Ser)

Gene: SCN2A (sodium voltage-gated channel alpha subunit 2; plus strand). Cytogenetic location: 2q24.3.
Variant type: single nucleotide variant.
Coding change: c.4972C>T on transcript NM_001040142.2 (MANE Select); coding-DNA position 4972, C replaced by T.
Protein change: p.Pro1658Ser; replaces proline 1658 with serine.
Molecular consequence: missense variant.
Genome position (GRCh38, 1-based): chr2:165,388,778, C>T. VCF-style: chr2-165388778-C-T. GRCh37 (hg19) VCF-style: chr2-166245288-C-T.
Other names: c.4972C>T, p.Pro1658Ser (NM_001040143.2, NM_001371246.1, NM_001371247.1 and 1 more transcripts); short protein forms P1658S.
Identifiers: ClinVar variation 984818 (VCV000984818.17), dbSNP rs1702009188, ClinGen allele CA349037902.

ClinVar aggregate classification (germline): Pathogenic. Review status: criteria provided, single submitter (1 of 4 stars). 2 submissions from 2 submitters: Pathogenic (1). 1 of the submissions does not count toward it. Last evaluated 2025-10-20.

Conditions:
Complex neurodevelopmental disorder. Identifiers: Orphanet 528084, MedGen C5568766, MONDO:0100038.
Developmental and epileptic encephalopathy. Identifiers: MedGen C5779964, MONDO:0100620.
Developmental and epileptic encephalopathy, 11 (DEE11). Also called: Early infantile epileptic encephalopathy 11. Identifiers: Orphanet 1934, MedGen C3150987, MONDO:0013388, OMIM 613721.
Seizures, benign familial infantile, 3 (BFIS3). Also called: CONVULSIONS, BENIGN FAMILIAL INFANTILE, 3; Familial neonatal seizures. Identifiers: Orphanet 140927, Orphanet 306, MedGen C1843140, MONDO:0011904, OMIM 607745.

Submissions (3):

Labcorp Genetics (formerly Invitae), Labcorp
Classification: Pathogenic for Seizures, benign familial infantile, 3; Developmental and epileptic encephalopathy, 11. Last evaluated: 2025-10-20. Review status: criteria provided, single submitter. Criteria: Invitae Variant Classification Sherloc (09022015). Collection method: clinical testing. Allele origin: germline.
Comment: This sequence change replaces proline, which is neutral and non-polar, with serine, which is neutral and polar, at codon 1658 of the SCN2A protein (p.Pro1658Ser). This variant is not present in population databases (gnomAD no frequency). This missense change has been observed in individual(s) with developmental epileptic encephalopathy (PMID: 32400968, 35431799). In at least one individual the variant was observed to be de novo. ClinVar contains an entry for this variant (Variation ID: 984818). Invitae Evidence Modeling of protein sequence and biophysical properties (such as structural, functional, and spatial information, amino acid conservation, physicochemical variation, residue mobility, and thermodynamic stability) indicates that this missense variant is expected to disrupt SCN2A protein function with a positive predictive value of 95%. Experimental studies have shown that this missense change affects SCN2A function (PMID: 32400968). For these reasons, this variant has been classified as Pathogenic.

Neurology Department, Shenzhen Children's Hospital
Classification: Pathogenic for Developmental and epileptic encephalopathy. Last evaluated: 2022-02-16. Review status: no assertion criteria provided. Collection method: clinical testing. Allele origin: de novo. Affected: yes. Observed: 2 variant alleles. Not counted in ClinVar's aggregate classification.

Channelopathy-Associated Epilepsy Research Center
No classification provided (evidence only). Condition: Complex neurodevelopmental disorder. Review status: no classification provided. Collection method: literature only. Allele origin: not applicable. Functional consequence: Severe decrease in peak current, Overall loss-of-function. Not counted in ClinVar's aggregate classification.
ClinVar note: "not provided" was previously submitted as the classification for the variant. However, the classification appeared to be based only on an observation of functional data so it was converted to no classification on 2025-07-30.

Literature cited by the submitters: PubMed 32400968 (cited by Labcorp Genetics (formerly Invitae), Labcorp and Channelopathy-Associated Epilepsy Research Center); PubMed 35431799 (cited by Labcorp Genetics (formerly Invitae), Labcorp).